The following is an entry in ClinVar:

NM_004171.4(SLC1A2):c.1175T>C (p.Val392Ala)

Gene: SLC1A2 (solute carrier family 1 member 2; minus strand). Cytogenetic location: 11p13.
Variant type: single nucleotide variant.
Coding change: c.1175T>C on transcript NM_004171.4 (MANE Select); coding-DNA position 1175, T replaced by C.
Protein change: p.Val392Ala; replaces valine 392 with alanine.
Molecular consequence: missense variant.
Genome position (GRCh38, 1-based): chr11:35,286,868, A>G on the plus strand (T>C on the coding strand, the complement: SLC1A2 is on the minus strand). VCF-style: chr11-35286868-A-G. GRCh37 (hg19) VCF-style: chr11-35308415-A-G.
Other names: c.1148T>C, p.Val383Ala (NM_001195728.3, NM_001252652.2); short protein forms V383A, V392A.
Identifiers: ClinVar variation 1353078 (VCV001353078.6), dbSNP rs748305450, ClinGen allele CA380123003.

ClinVar aggregate classification (germline): Uncertain significance (1 of 4 stars; one submission).

Allele frequency attached by ClinVar (database versions not stated): TOPMed below 0.00001; gnomAD 0.00001.
gnomAD v4.1: 9 of 1,613,964 alleles (0.00056%); highest among the groups gnomAD compares: Non-Finnish European, 0.00076%; no homozygotes.

Submission:

Labcorp Genetics (formerly Invitae), Labcorp
Classification: Uncertain significance. Last evaluated: 2022-12-08. Review status: criteria provided, single submitter. Criteria: Invitae Variant Classification Sherloc (09022015). Collection method: clinical testing. Allele origin: germline.
Comment: In summary, the available evidence is currently insufficient to determine the role of this variant in disease. Therefore, it has been classified as a Variant of Uncertain Significance. Advanced modeling of protein sequence and biophysical properties (such as structural, functional, and spatial information, amino acid conservation, physicochemical variation, residue mobility, and thermodynamic stability) performed at Invitae indicates that this missense variant is expected to disrupt SLC1A2 protein function. ClinVar contains an entry for this variant (Variation ID: 1353078). This variant has not been reported in the literature in individuals affected with SLC1A2-related conditions. This variant is not present in population databases (gnomAD no frequency). This sequence change replaces valine, which is neutral and non-polar, with alanine, which is neutral and non-polar, at codon 392 of the SLC1A2 protein (p.Val392Ala).